The following is an entry in ClinVar:

ClinVar aggregate classification (germline): Uncertain significance (1 of 4 stars; one submission).

Conditions:
HNSHA due to aldolase A deficiency (GSD12). Also called: Glycogen storage disease due to aldolase A deficiency; GLYCOGEN STORAGE DISEASE XII; GSD XII; RED CELL ALDOLASE DEFICIENCY. Identifiers: Orphanet 57, MedGen C0272066, MONDO:0012747, OMIM 611881.

Allele frequency attached by ClinVar (database versions not stated): TOPMed below 0.00001; gnomAD exomes 0.00002.
gnomAD v4.1: 10 of 1,614,098 alleles (0.00062%); highest among the groups gnomAD compares: Non-Finnish European, 0.00085%; no homozygotes.

Submission:

Labcorp Genetics (formerly Invitae), Labcorp
Classification: Uncertain significance for HNSHA due to aldolase A deficiency. Last evaluated: 2023-12-19. Review status: criteria provided, single submitter. Criteria: Invitae Variant Classification Sherloc (09022015). Collection method: clinical testing. Allele origin: germline.
Comment: This sequence change replaces lysine, which is basic and polar, with asparagine, which is neutral and polar, at codon 215 of the ALDOA protein (p.Lys215Asn). This variant is present in population databases (no rsID available, gnomAD 0.005%). This variant has not been reported in the literature in individuals affected with ALDOA-related conditions. ClinVar contains an entry for this variant (Variation ID: 1465716). An algorithm developed to predict the effect of missense changes on protein structure and function (PolyPhen-2) suggests that this variant is likely to be disruptive. In summary, the available evidence is currently insufficient to determine the role of this variant in disease. Therefore, it has been classified as a Variant of Uncertain Significance.

NM_001243177.4(ALDOA):c.807G>T (p.Lys269Asn)

Genes: ALDOA (aldolase, fructose-bisphosphate A; plus strand), LOC112694756 (uncharaterized LOC112694756; plus strand). Cytogenetic location: 16p11.2.
Variant type: single nucleotide variant.
Coding change: c.807G>T on transcript NM_001243177.4 (MANE Select); coding-DNA position 807, G replaced by T.
Protein change: p.Lys269Asn; replaces lysine 269 with asparagine.
Molecular consequence: missense variant. On other transcripts: 3 prime UTR variant (3).
Genome position (GRCh38, 1-based): chr16:30,069,519, G>T. VCF-style: chr16-30069519-G-T. GRCh37 (hg19) VCF-style: chr16-30080840-G-T.
Other names: c.*1154G>T (NM_001365304.2, NM_001365305.2, NM_001365307.2); c.645G>T, p.Lys215Asn (NM_001127617.2, NM_184041.5, NM_184043.2); short protein forms K269N, K215N.
Identifiers: ClinVar variation 1465716 (VCV001465716.6), dbSNP rs1455309434, ClinGen allele CA395491419.